The following is an entry in ClinVar:

ClinVar aggregate classification (germline): Uncertain significance. Review status: criteria provided, multiple submitters, no conflicts (2 of 4 stars). 2 submissions from 2 submitters: Uncertain significance (2). Last evaluated 2024-03-20.

Conditions:
Inborn genetic diseases. Identifiers: MedGen C0950123, MeSH D030342.
Immunodeficiency 14 (IMD14A). Also called: ACTIVATED PI3K-DELTA SYNDROME 1; IMMUNODEFICIENCY 14A WITH LYMPHOPROLIFERATION, AUTOSOMAL DOMINANT; Activated PI3K Delta Syndrome Type 1 (APDS1); p110-DELTA-ACTIVATING MUTATION CAUSING SENESCENT T CELLS, LYMPHADENOPATHY, AND IMMUNODEFICIENCY. Identifiers: Orphanet 397596, Orphanet 693661, MedGen C5907821, MONDO:0014222, OMIM 615513.

Allele frequency attached by ClinVar (database versions not stated): gnomAD exomes below 0.00001; TOPMed below 0.00001.
gnomAD v4.1: 4 of 1,610,750 alleles (0.00025%); highest among the groups gnomAD compares: Non-Finnish European, 0.00034%; no homozygotes.

Submissions (2):

Ambry Genetics
Classification: Uncertain significance for Inborn genetic diseases. Last evaluated: 2024-03-20. Review status: criteria provided, single submitter. Criteria: Ambry Variant Classification Scheme 2023. Collection method: clinical testing. Allele origin: germline.

Labcorp Genetics (formerly Invitae), Labcorp
Classification: Uncertain significance for Activated PI3K-delta syndrome. Last evaluated: 2020-08-24. Review status: criteria provided, single submitter. Criteria: Invitae Variant Classification Sherloc (09022015). Collection method: clinical testing. Allele origin: germline.
Comment: In summary, the available evidence is currently insufficient to determine the role of this variant in disease. Therefore, it has been classified as a Variant of Uncertain Significance. Algorithms developed to predict the effect of sequence changes on RNA splicing suggest that this variant may create or strengthen a splice site, but this prediction has not been confirmed by published transcriptional studies. Algorithms developed to predict the effect of missense changes on protein structure and function (SIFT, PolyPhen-2, Align-GVGD) all suggest that this variant is likely to be tolerated, but these predictions have not been confirmed by published functional studies and their clinical significance is uncertain. This variant has not been reported in the literature in individuals with PIK3CD-related conditions. This variant is not present in population databases (ExAC no frequency). This sequence change replaces alanine with valine at codon 545 of the PIK3CD protein (p.Ala545Val). The alanine residue is moderately conserved and there is a small physicochemical difference between alanine and valine.

NM_005026.5(PIK3CD):c.1634C>T (p.Ala545Val)

Gene: PIK3CD (phosphatidylinositol-4,5-bisphosphate 3-kinase catalytic subunit delta; plus strand). Cytogenetic location: 1p36.22.
Variant type: single nucleotide variant.
Coding change: c.1634C>T on transcript NM_005026.5 (MANE Select); coding-DNA position 1634, C replaced by T.
Protein change: p.Ala545Val; replaces alanine 545 with valine.
Molecular consequence: missense variant.
Genome position (GRCh38, 1-based): chr1:9,720,854, C>T. VCF-style: chr1-9720854-C-T. GRCh37 (hg19) VCF-style: chr1-9780912-C-T.
Other names: c.1634C>T (NM_005026.3); c.1631C>T, p.Ala544Val (NM_001350234.2); c.1547C>T, p.Ala516Val (NM_001350235.1); short protein forms A516V, A544V, A545V.
Identifiers: ClinVar variation 1007417 (VCV001007417.10), dbSNP rs1220175470, ClinGen allele CA338303952.